The following is an entry in ClinVar:

NM_001370259.2(MEN1):c.251C>T (p.Ser84Phe)

Gene: MEN1 (menin 1; minus strand). Cytogenetic location: 11q13.1.
Variant type: single nucleotide variant.
Coding change: c.251C>T on transcript NM_001370259.2 (MANE Select); coding-DNA position 251, C replaced by T.
Protein change: p.Ser84Phe; replaces serine 84 with phenylalanine.
Molecular consequence: missense variant. On other transcripts: non-coding transcript variant (4).
Genome position (GRCh38, 1-based): chr11:64,809,859, G>A on the plus strand (C>T on the coding strand, the complement: MEN1 is on the minus strand). VCF-style: chr11-64809859-G-A. GRCh37 (hg19) VCF-style: chr11-64577331-G-A.
Other names: c.251C>T, p.Ser84Phe (NM_001407151.1, NM_130799.3, NM_130800.3 and 20 more transcripts); short protein forms S84F.
Identifiers: ClinVar variation 2624638 (VCV002624638.2), dbSNP rs2136187736, ClinGen allele CA381187554.

ClinVar aggregate classification (germline): Uncertain significance (1 of 4 stars; one submission).

Conditions:
Hereditary cancer-predisposing syndrome. Also called: Tumor predisposition; Hereditary Cancer Syndrome; Hereditary neoplastic syndrome; Neoplastic Syndromes, Hereditary. Identifiers: Orphanet 140162, MedGen C0027672, MeSH D009386, MONDO:0015356.

Submission:

Ambry Genetics
Classification: Uncertain significance for Hereditary cancer-predisposing syndrome. Last evaluated: 2023-08-07. Review status: criteria provided, single submitter. Criteria: Ambry Variant Classification Scheme 2023. Collection method: clinical testing. Allele origin: germline.
Comment: The p.S84F variant (also known as c.251C>T), located in coding exon 1 of the MEN1 gene, results from a C to T substitution at nucleotide position 251. The serine at codon 84 is replaced by phenylalanine, an amino acid with highly dissimilar properties. This amino acid position is conserved. In addition, the in silico prediction for this alteration is inconclusive. Since supporting evidence is limited at this time, the clinical significance of this alteration remains unclear.